The following is an entry in ClinVar:

ClinVar aggregate classification (germline): Uncertain significance (1 of 4 stars; one submission).

Submission:

GeneDx
Classification: Uncertain significance. Last evaluated: 2023-10-18. Review status: criteria provided, single submitter. Criteria: GeneDx Variant Classification Process June 2021. Collection method: clinical testing. Allele origin: germline. Affected: yes.
Comment: Not observed at significant frequency in large population cohorts (gnomAD); In silico analysis supports that this missense variant has a deleterious effect on protein structure/function; Has not been previously published as pathogenic or benign to our knowledge

NM_014008.5(CCDC22):c.880A>G (p.Thr294Ala)

Gene: CCDC22 (coiled-coil domain containing 22; plus strand). Cytogenetic location: Xp11.23.
Variant type: single nucleotide variant.
Coding change: c.880A>G on transcript NM_014008.5 (MANE Select); coding-DNA position 880, A replaced by G.
Protein change: p.Thr294Ala; replaces threonine 294 with alanine.
Molecular consequence: missense variant.
Genome position (GRCh38, 1-based): chrX:49,246,896, A>G. VCF-style: chrX-49246896-A-G. GRCh37 (hg19) VCF-style: chrX-49103357-A-G.
Other names: short protein forms T294A.
Identifiers: ClinVar variation 3366059 (VCV003366059.1).